The following is an entry in ClinVar:

ClinVar aggregate classification (germline): Benign (1 of 4 stars; one submission).

Allele frequency attached by ClinVar (database versions not stated): 1000 Genomes Project 30x 0.00297; 1000 Genomes Project 0.00300; TOPMed 0.00409; gnomAD 0.00499.

Submission:

CeGaT Center for Human Genetics Tuebingen
Classification: Benign. Last evaluated: 2024-08-01. Review status: criteria provided, single submitter. Criteria: CeGaT Center For Human Genetics Tuebingen Variant Classification Criteria Version 2. Collection method: clinical testing. Allele origin: germline. Affected: yes. Observed: 2 variant alleles.
Comment: MEG3: BS1, BS2

NR_190994.1(MEG3):n.4927A>G

Gene: MEG3 (maternally expressed 3; plus strand). Cytogenetic location: 14q32.2.
Variant type: single nucleotide variant.
Molecular consequence: non-coding transcript variant (on NR_046473.1).
Genome position: GRCh38 VCF-style: chr14-100849433-A-G. GRCh37 (hg19) VCF-style: chr14-101315770-A-G.
Identifiers: ClinVar variation 3250900 (VCV003250900.18), dbSNP rs182143383.
Genomic context (GRCh38, chr14:100,849,433, plus strand): 5'-GTCCATAAATAAAAGAATAAGTATTGAAATGAAAGAATGACAGAAAGAATGAATGGACAC[A>G]TGAACGACTGAATTAGAAATGGAAATGCCTGGCACAGCCAGGAAGGAGCTGCCCATGGGA-3'